The following is an entry in ClinVar:

NM_001374259.2(IL12RB2):c.2212G>T (p.Ala738Ser)

Gene: IL12RB2 (interleukin 12 receptor subunit beta 2; plus strand). Cytogenetic location: 1p31.3.
Variant type: single nucleotide variant.
Coding change: c.2212G>T on transcript NM_001374259.2 (MANE Select); coding-DNA position 2212, G replaced by T.
Protein change: p.Ala738Ser; replaces alanine 738 with serine.
Molecular consequence: missense variant. On other transcripts: 3 prime UTR variant (3), non-coding transcript variant (2).
Genome position (GRCh38, 1-based): chr1:67,395,712, G>T. VCF-style: chr1-67395712-G-T. GRCh37 (hg19) VCF-style: chr1-67861395-G-T.
Other names: c.*132G>T (NM_001258214.1, NM_001319233.1); c.1954G>T, p.Ala652Ser (NM_001258215.1); c.*113G>T (NM_001258216.1); c.2212G>T, p.Ala738Ser (NM_001559.3); short protein forms A652S, A738S.
Identifiers: ClinVar variation 4695491 (VCV004695491.1).
Genomic context (GRCh38, chr1:67,395,712, plus strand): 5'-TTCAGACATCCCCCCTGCTCCAACTGGCCACAAAGGGAAAAAGGAATCCAAGGTCATCAG[G>T]CCTCTGAGAAAGACATGATGCACAGTGCCTCAAGCCCACCACCTCCAAGAGCTCTCCAAG-3'
Protein context (NP_001361188.1, residues 728-748): QREKGIQGHQ[Ala738Ser]SEKDMMHSAS

ClinVar aggregate classification (germline): Uncertain significance (1 of 4 stars; one submission).

gnomAD v4.1: 2 of 1,614,160 alleles (0.00012%); highest among the groups gnomAD compares: Non-Finnish European, 0.00017%; no homozygotes.

Submission:

Labcorp Genetics (formerly Invitae), Labcorp
Classification: Uncertain significance. Last evaluated: 2025-12-18. Review status: criteria provided, single submitter. Criteria: Invitae Variant Classification Sherloc (09022015). Collection method: clinical testing. Allele origin: germline.
Comment: This sequence change replaces alanine, which is neutral and non-polar, with serine, which is neutral and polar, at codon 738 of the IL12RB2 protein (p.Ala738Ser). This variant is not present in population databases (gnomAD no frequency). This variant has not been reported in the literature in individuals affected with IL12RB2-related conditions. An algorithm developed to predict the effect of missense changes on protein structure and function (PolyPhen-2) suggests that this variant is likely to be tolerated. In summary, the available evidence is currently insufficient to determine the role of this variant in disease. Therefore, it has been classified as a Variant of Uncertain Significance.